The following is an entry in ClinVar:

ClinVar aggregate classification (germline): Pathogenic (0 of 4 stars; one submission).

Conditions:
Deficiency of ferroxidase (ACEP). Also called: Deficiency of ceruloplasmin; Aceruloplasminemia; Ceruloplasmin deficiency; Familial apoceruloplasmin deficiency; Hereditary ceruloplasmin deficiency; NEURODEGENERATION WITH BRAIN IRON ACCUMULATION 10. Identifiers: Orphanet 48818, MedGen C0878682, MONDO:0011426, OMIM 604290, HP:0025498.

Submission:

GeneReviews
Classification: Pathogenic for Aceruloplasminemia. Last evaluated: 2013-04-18. Review status: no assertion criteria provided. Collection method: curation. Allele origin: unknown.
ClinVar note: Converted during submission from pathologic to Pathogenic.

NM_000096.4(CP):c.587C>G (p.Pro196Arg)

Gene: CP (ceruloplasmin; minus strand). Cytogenetic location: 3q25.1.
Variant type: single nucleotide variant.
Coding change: c.587C>G on transcript NM_000096.4 (MANE Select); coding-DNA position 587, C replaced by G.
Protein change: p.Pro196Arg; replaces proline 196 with arginine.
Molecular consequence: missense variant. On other transcripts: non-coding transcript variant (1).
Genome position (GRCh38, 1-based): chr3:149,210,187, G>C on the plus strand (C>G on the coding strand, the complement: CP is on the minus strand). VCF-style: chr3-149210187-G-C. GRCh37 (hg19) VCF-style: chr3-148927974-G-C.
Other names: P177R; short protein forms P196R.
Identifiers: ClinVar variation 42119 (VCV000042119.3), dbSNP rs386134124, ClinGen allele CA344568.
Genomic context (GRCh38, chr3:149,210,187, plus strand): 5'-CTTTTGGTCATATAGCATGTGCAATAAGGAGAAGATGTACCTTTTTTACAGATTATTAAA[G>C]GTCCGATGAGTCCTGAGGCAATATCTTTTGGAGCATCAATGTGGGAATGGTAAATCCTAG-3'
Protein context (NP_000087.2, residues 186-206): PKDIASGLIG[Pro196Arg]LIICKKDSLD